The following is an entry in ClinVar:

NM_020937.4(FANCM):c.2952A>C (p.Lys984Asn)

Gene: FANCM (FA complementation group M; plus strand). Cytogenetic location: 14q21.2.
Variant type: single nucleotide variant.
Coding change: c.2952A>C on transcript NM_020937.4 (MANE Select); coding-DNA position 2952, A replaced by C.
Protein change: p.Lys984Asn; replaces lysine 984 with asparagine.
Molecular consequence: missense variant.
Genome position (GRCh38, 1-based): chr14:45,175,706, A>C. VCF-style: chr14-45175706-A-C. GRCh37 (hg19) VCF-style: chr14-45644909-A-C.
Other names: c.2874A>C, p.Lys958Asn (NM_001308133.2); short protein forms K958N, K984N.
Identifiers: ClinVar variation 2681924 (VCV002681924.4), dbSNP rs2503185420, ClinGen allele CA389599548.
Genomic context (GRCh38, chr14:45,175,706, plus strand): 5'-AGAAGAGCTTTATATTGTTAGAACAGATGACCAATTTTATAATTGTCACTCATTGACAAA[A>C]GAGGTACTAGCTAATGTAGAGAGATTTTTATCTTATTCTCCTCCGCCTCTCAGTGGACTC-3'
Protein context (NP_065988.1, residues 974-994): DQFYNCHSLT[Lys984Asn]EVLANVERFL

ClinVar aggregate classification (germline): Uncertain significance. Review status: criteria provided, multiple submitters, no conflicts (2 of 4 stars). 2 submissions from 2 submitters: Uncertain significance (2). Last evaluated 2023-03-31.

Conditions:
Fanconi anemia (FA). Also called: Fanconi's anemia. Identifiers: Orphanet 84, MedGen C0015625, MeSH D005199, MONDO:0019391.

Submissions (2):

Quest Diagnostics Nichols Institute San Juan Capistrano
Classification: Uncertain significance. Last evaluated: 2023-03-31. Review status: criteria provided, single submitter. Criteria: Quest Diagnostics criteria. Collection method: clinical testing. Allele origin: unknown.
Comment: This variant has not been reported in the published literature. It also has not been reported in large, multi-ethnic general populations. Analysis of this variant using bioinformatics tools for the prediction of the effect of amino acid changes on protein structure and function yielded conflicting predictions that this variant is benign or damaging. Based on the available information, we are unable to determine the clinical significance of this variant.

Labcorp Genetics (formerly Invitae), Labcorp
Classification: Uncertain significance for Fanconi anemia. Last evaluated: 2022-12-02. Review status: criteria provided, single submitter. Criteria: Invitae Variant Classification Sherloc (09022015). Collection method: clinical testing. Allele origin: germline.
Comment: In summary, the available evidence is currently insufficient to determine the role of this variant in disease. Therefore, it has been classified as a Variant of Uncertain Significance. Algorithms developed to predict the effect of missense changes on protein structure and function are either unavailable or do not agree on the potential impact of this missense change (SIFT: "Tolerated"; PolyPhen-2: "Possibly Damaging"; Align-GVGD: "Class C0"). This variant has not been reported in the literature in individuals affected with FANCM-related conditions. This variant is not present in population databases (gnomAD no frequency). This sequence change replaces lysine, which is basic and polar, with asparagine, which is neutral and polar, at codon 984 of the FANCM protein (p.Lys984Asn).